The following is an entry in ClinVar:

NM_138295.5(PKD1L1):c.5802G>A (p.Glu1934=)

Gene: PKD1L1 (polycystin 1 like 1, transient receptor potential channel interacting; minus strand). Cytogenetic location: 7p12.3.
Variant type: single nucleotide variant.
Coding change: c.5802G>A on transcript NM_138295.5 (MANE Select); coding-DNA position 5802, G replaced by A.
Protein change: p.Glu1934=; no amino-acid change (glutamic acid 1934 retained).
Molecular consequence: synonymous variant.
Genome position (GRCh38, 1-based): chr7:47,837,062, C>T on the plus strand (G>A on the coding strand, the complement: PKD1L1 is on the minus strand). VCF-style: chr7-47837062-C-T. GRCh37 (hg19) VCF-style: chr7-47876660-C-T.
Identifiers: ClinVar variation 4986981 (VCV004986981.1).

ClinVar aggregate classification (germline): Likely benign (1 of 4 stars; one submission).

Conditions:
PKD1L1-related disorder. Also called: PKD1L1-related condition.

gnomAD v4.1: 10 of 1,614,076 alleles (0.00062%); highest among the groups gnomAD compares: African/African-American, 0.0013%; no homozygotes.

Submission:

PreventionGenetics, part of Exact Sciences
Classification: Likely benign for PKD1L1-related condition. Last evaluated: 2026-06-16. Review status: criteria provided, single submitter. Criteria: ACMG Guidelines, 2015. Collection method: clinical testing. Allele origin: germline.
Comment: This variant is classified as likely benign based on ACMG/AMP sequence variant interpretation guidelines (Richards et al. 2015 PMID: 25741868, with internal and published modifications).